The following is an entry in ClinVar:

NM_005984.5(SLC25A1):c.882dup (p.Val295fs)

Gene: SLC25A1 (solute carrier family 25 member 1; minus strand). Cytogenetic location: 22q11.21.
Variant type: Duplication.
Coding change: c.882dup on transcript NM_005984.5 (MANE Select); coding-DNA position 882, one base duplicated (T; older notation c.882dupT).
Protein change: p.Val295fs; shifts the reading frame from valine 295.
Molecular consequence: frameshift variant. On other transcripts: non-coding transcript variant (1).
Genome position (GRCh38, 1-based): chr22:19,176,184, A duplicated on the plus strand (T on the coding strand, the reverse complement: SLC25A1 is on the minus strand); the first of 3 consecutive A bases (chr22:19,176,184-19,176,186); duplicating any one gives the same sequence. VCF-style (leftmost placement, unchanged base first): chr22-19176183-C-CA. GRCh37 (hg19) VCF-style: chr22-19163696-C-CA.
Other names: c.903dup, p.Val302fs (NM_001256534.2); c.573dup, p.Val192fs (NM_001287387.2); short protein forms V192fs, V295fs, V302fs.
Identifiers: ClinVar variation 4883954 (VCV004883954.2).

ClinVar aggregate classification (germline): Uncertain significance (1 of 4 stars; one submission).

Submission:

Dasa
Classification: Uncertain significance. Last evaluated: 2024-11-04. Review status: criteria provided, single submitter. Criteria: DASA Assertion Criteria. Collection method: clinical testing. Allele origin: germline.
Comment: NM_005984.5(SLC25A1):c.882dup (p.Val295Cysfs*4) is a frameshift variant in SLC25A1 predicted to alter the reading frame and introduce a premature termination codon and is predicted to result in an absent or altered protein product. This variant is absent from population databases. The currently available literature and clinical evidence are not sufficient to establish a definitive association between this variant and the reported condition. Therefore, this variant is classified as a variant of uncertain significance.